The following is an entry in ClinVar:

NM_001291303.3(FAT4):c.3041G>A (p.Arg1014Gln)

Gene: FAT4 (FAT atypical cadherin 4; plus strand). Cytogenetic location: 4q28.1.
Variant type: single nucleotide variant.
Coding change: c.3041G>A on transcript NM_001291303.3 (MANE Select); coding-DNA position 3041, G replaced by A.
Protein change: p.Arg1014Gln; replaces arginine 1014 with glutamine.
Molecular consequence: missense variant.
Genome position (GRCh38, 1-based): chr4:125,319,452, G>A. VCF-style: chr4-125319452-G-A. GRCh37 (hg19) VCF-style: chr4-126240607-G-A.
Other names: c.3041G>A, p.Arg1014Gln (NM_001291285.3, NM_024582.6); short protein forms R1014Q.
Identifiers: ClinVar variation 1313475 (VCV001313475.5), dbSNP rs377288957, ClinGen allele CA3072249.
Genomic context (GRCh38, chr4:125,319,452, plus strand): 5'-CAGTGTTTGACCAACTCTCTTATGAAGTCACCCTTTCTGAGTCAGAACCTGTGAATTCTC[G>A]ATTCTTTAAAGTACAAGCTTCTGATAAGGATTCAGGAGCAAATGGTGAAATTGCATACAC-3'
Protein context (NP_001278232.1, residues 1004-1024): TLSESEPVNS[Arg1014Gln]FFKVQASDKD

ClinVar aggregate classification (germline): Uncertain significance. Review status: criteria provided, multiple submitters, no conflicts (2 of 4 stars). 2 submissions from 2 submitters: Uncertain significance (2). Last evaluated 2024-10-16.

Allele frequency attached by ClinVar (database versions not stated): TOPMed 0.00002; gnomAD exomes 0.00003; ExAC 0.00004; gnomAD 0.00004; ESP Exome Variant Server 0.00017.
gnomAD v4.1: 17 of 1,613,548 alleles (0.0011%); highest among the groups gnomAD compares: Admixed American, 0.02%; no homozygotes.

Submissions (2):

Labcorp Genetics (formerly Invitae), Labcorp
Classification: Uncertain significance. Last evaluated: 2024-10-16. Review status: criteria provided, single submitter. Criteria: Invitae Variant Classification Sherloc (09022015). Collection method: clinical testing. Allele origin: germline.
Comment: This sequence change replaces arginine, which is basic and polar, with glutamine, which is neutral and polar, at codon 1014 of the FAT4 protein (p.Arg1014Gln). This variant is present in population databases (rs377288957, gnomAD 0.02%). This variant has not been reported in the literature in individuals affected with FAT4-related conditions. ClinVar contains an entry for this variant (Variation ID: 1313475). Invitae Evidence Modeling of protein sequence and biophysical properties (such as structural, functional, and spatial information, amino acid conservation, physicochemical variation, residue mobility, and thermodynamic stability) indicates that this missense variant is not expected to disrupt FAT4 protein function with a negative predictive value of 80%. In summary, the available evidence is currently insufficient to determine the role of this variant in disease. Therefore, it has been classified as a Variant of Uncertain Significance.

GeneDx
Classification: Uncertain significance. Last evaluated: 2020-12-03. Review status: criteria provided, single submitter. Criteria: GeneDx Variant Classification Process June 2021. Collection method: clinical testing. Allele origin: germline. Affected: yes.
Comment: In silico analysis supports that this missense variant does not alter protein structure/function; Has not been previously published as pathogenic or benign to our knowledge